The following is an entry in ClinVar:

ClinVar aggregate classification (germline): Likely benign (0 of 4 stars; one submission).

Conditions:
ITSN2-related disorder. Also called: ITSN2-related condition.

Allele frequency attached by ClinVar (database versions not stated): gnomAD exomes below 0.00001; ExAC 0.00001; gnomAD 0.00001; TOPMed 0.00001.
gnomAD v4.1: 3 of 1,590,736 alleles (0.00019%); highest among the groups gnomAD compares: Admixed American, 0.0017%; no homozygotes.

Submission:

PreventionGenetics, part of Exact Sciences
Classification: Likely benign for ITSN2-related condition. Last evaluated: 2019-05-09. Review status: no assertion criteria provided. Collection method: clinical testing. Allele origin: germline.
Comment: This variant is classified as likely benign based on ACMG/AMP sequence variant interpretation guidelines (Richards et al. 2015 PMID: 25741868, with internal and published modifications).

NM_006277.3(ITSN2):c.2280G>A (p.Val760=)

Gene: ITSN2 (intersectin 2; minus strand). Cytogenetic location: 2p23.3.
Variant type: single nucleotide variant.
Coding change: c.2280G>A on transcript NM_006277.3 (MANE Select); coding-DNA position 2280, G replaced by A.
Protein change: p.Val760=; no amino-acid change (valine 760 retained).
Molecular consequence: synonymous variant.
Genome position (GRCh38, 1-based): chr2:24,270,746, C>T on the plus strand (G>A on the coding strand, the complement: ITSN2 is on the minus strand). VCF-style: chr2-24270746-C-T. GRCh37 (hg19) VCF-style: chr2-24493615-C-T.
Other names: c.2238G>A, p.Val746= (NM_001348181.2); c.2160G>A, p.Val720= (NM_001348182.2, NM_001348186.2); c.2199G>A, p.Val733= (NM_001348183.2, NM_019595.4); c.2157G>A, p.Val719= (NM_001348184.2); c.2241G>A, p.Val747= (NM_001348185.2); c.2280G>A, p.Val760= (NM_147152.3).
Identifiers: ClinVar variation 3038011 (VCV003038011.2), dbSNP rs780513042, ClinGen allele CA1551223.